The following is an entry in ClinVar:

ClinVar aggregate classification (germline): Benign/Likely benign. Review status: criteria provided, multiple submitters, no conflicts (2 of 4 stars). 3 submissions from 3 submitters: Benign (1); Likely benign (2). Last evaluated 2025-08-05.

Conditions:
Hereditary cancer-predisposing syndrome. Also called: Neoplastic Syndromes, Hereditary; Tumor predisposition; Hereditary Cancer Syndrome; Hereditary neoplastic syndrome. Identifiers: Orphanet 140162, MedGen C0027672, MeSH D009386, MONDO:0015356.
Familial adenomatous polyposis 1 (FAP1). Also called: FAMILIAL ADENOMATOUS POLYPOSIS 1, ATTENUATED; POLYPOSIS, ADENOMATOUS INTESTINAL. Identifiers: MedGen C2713442, MONDO:0021056, OMIM 175100. Disease mechanism: loss of function.

Submissions (3):

Labcorp Genetics (formerly Invitae), Labcorp
Classification: Likely benign for Familial adenomatous polyposis 1. Last evaluated: 2025-08-05. Review status: criteria provided, single submitter. Criteria: Invitae Variant Classification Sherloc (09022015). Collection method: clinical testing. Allele origin: germline.

Myriad Genetics, Inc.
Classification: Benign for Familial adenomatous polyposis 1. Last evaluated: 2024-04-12. Review status: criteria provided, single submitter. Criteria: Myriad Autosomal Dominant, Autosomal Recessive and X-Linked Classification Criteria (2023). Collection method: clinical testing. Allele origin: unknown.
Comment: This variant is considered benign. This variant is a silent/synonymous amino acid change and it is not expected to impact splicing.

Ambry Genetics
Classification: Likely benign for Hereditary cancer-predisposing syndrome. Last evaluated: 2021-10-14. Review status: criteria provided, single submitter. Criteria: Ambry Variant Classification Scheme 2023. Collection method: clinical testing. Allele origin: germline.

NM_000038.6(APC):c.8118G>A (p.Val2706=)

Gene: APC (APC regulator of Wnt signaling pathway; plus strand). Cytogenetic location: 5q22.2.
Variant type: single nucleotide variant.
Coding change: c.8118G>A on transcript NM_000038.6 (MANE Select); coding-DNA position 8118, G replaced by A.
Protein change: p.Val2706=; no amino-acid change (valine 2706 retained).
Molecular consequence: synonymous variant. On other transcripts: non-coding transcript variant (2).
Genome position (GRCh38, 1-based): chr5:112,843,712, G>A. VCF-style: chr5-112843712-G-A. GRCh37 (hg19) VCF-style: chr5-112179409-G-A.
Other names: c.8118G>A, p.Val2706= (NM_001127510.3, NM_001354895.2, NM_001407450.1); c.8064G>A, p.Val2688= (NM_001127511.3); c.8172G>A, p.Val2724= (NM_001354896.2, NM_001407447.1, NM_001407448.1 and 1 more transcripts); c.8148G>A, p.Val2716= (NM_001354897.2); c.8043G>A, p.Val2681= (NM_001354898.2); c.8034G>A, p.Val2678= (NM_001354899.2); c.7995G>A, p.Val2665= (NM_001354900.2); c.7941G>A, p.Val2647= (NM_001354901.2, NM_001407453.1); and 11 more.
Identifiers: ClinVar variation 1762063 (VCV001762063.4), dbSNP rs1580690209, ClinGen allele CA446211176.